The following is an entry in ClinVar:

ClinVar aggregate classification (germline): Uncertain significance (1 of 4 stars; one submission).

gnomAD v4.1: 5 of 1,613,986 alleles (0.00031%); highest among the groups gnomAD compares: Non-Finnish European, 0.00042%; no homozygotes.

Submission:

Labcorp Genetics (formerly Invitae), Labcorp
Classification: Uncertain significance. Last evaluated: 2024-07-29. Review status: criteria provided, single submitter. Criteria: Invitae Variant Classification Sherloc (09022015). Collection method: clinical testing. Allele origin: germline.
Comment: This sequence change replaces proline, which is neutral and non-polar, with serine, which is neutral and polar, at codon 1705 of the NALCN protein (p.Pro1705Ser). This variant is present in population databases (rs779310313, gnomAD 0.0009%). This variant has not been reported in the literature in individuals affected with NALCN-related conditions. Advanced modeling of protein sequence and biophysical properties (such as structural, functional, and spatial information, amino acid conservation, physicochemical variation, residue mobility, and thermodynamic stability) performed at Invitae indicates that this missense variant is not expected to disrupt NALCN protein function with a negative predictive value of 80%. In summary, the available evidence is currently insufficient to determine the role of this variant in disease. Therefore, it has been classified as a Variant of Uncertain Significance.

NM_052867.4(NALCN):c.5113C>T (p.Pro1705Ser)

Genes: NALCN (sodium leak channel, non-selective; minus strand), NALCN-AS1 (NALCN antisense RNA 1; plus strand). Cytogenetic location: 13q32.3.
Variant type: single nucleotide variant.
Coding change: c.5113C>T on transcript NM_052867.4 (MANE Select); coding-DNA position 5113, C replaced by T.
Protein change: p.Pro1705Ser; replaces proline 1705 with serine.
Molecular consequence: missense variant. On other transcripts: non-coding transcript variant (1).
Genome position (GRCh38, 1-based): chr13:101,055,399, G>A on the plus strand (C>T on the coding strand, the complement: NALCN is on the minus strand). VCF-style: chr13-101055399-G-A. GRCh37 (hg19) VCF-style: chr13-101707751-G-A.
Other names: c.5200C>T, p.Pro1734Ser (NM_001350748.2); c.5113C>T, p.Pro1705Ser (NM_001350749.2); c.5026C>T, p.Pro1676Ser (NM_001350750.2, NM_001350751.2); short protein forms P1676S, P1705S, P1734S.
Identifiers: ClinVar variation 3614257 (VCV003614257.2).